The following is an entry in ClinVar:

ClinVar aggregate classification (germline): Pathogenic (1 of 4 stars; one submission).

Submission:

Labcorp Genetics (formerly Invitae), Labcorp
Classification: Pathogenic. Last evaluated: 2024-01-08. Review status: criteria provided, single submitter. Criteria: Invitae Variant Classification Sherloc (09022015). Collection method: clinical testing. Allele origin: unknown.
Comment: This variant is a gross deletion of the genomic region encompassing exon(s) 24 of the EYS gene. This deletion is out-of-frame, and is expected to create a premature termination codon and result in an absent or disrupted protein product. Loss-of-function variants in EYS are known to be pathogenic (PMID: 18836446, 20333770). This variant has not been reported in the literature in individuals affected with EYS-related conditions. For these reasons, this variant has been classified as Pathogenic.

Literature cited by the submitters: PubMed 18836446; PubMed 20333770.

NC_000006.11:g.(?_65327291)_(65327446_?)del

Gene: EYS (eyes shut homolog; minus strand). Cytogenetic location: 6q12.
Variant type: Deletion.
Identifiers: ClinVar variation 3246092 (VCV003246092.1).